The following is an entry in ClinVar:

ClinVar aggregate classification (germline): Conflicting classifications of pathogenicity. Review status: criteria provided, conflicting classifications (1 of 4 stars). 4 submissions from 4 submitters: Uncertain significance (3); Likely benign (1). Last evaluated 2026-01-26.

Conditions:
Hereditary cancer-predisposing syndrome. Also called: Neoplastic Syndromes, Hereditary; Hereditary neoplastic syndrome; Hereditary Cancer Syndrome; Tumor predisposition. Identifiers: Orphanet 140162, MedGen C0027672, MeSH D009386, MONDO:0015356.
POLD1-related polyposis and colorectal cancer syndrome (CRCS10). Also called: Colorectal cancer, susceptibility to, 10; Colorectal cancer 10; COLORECTAL CANCER, SUSCEPTIBILITY TO, ON CHROMOSOME 19q. Identifiers: Orphanet 220460, MedGen C2675481, MONDO:0012953, OMIM 612591.
Immunodeficiency 120. Identifiers: MedGen C5935622, MONDO:0970994, OMIM 620836.
Mandibular hypoplasia-deafness-progeroid syndrome. Also called: Mandibular hypoplasia, deafness, progeroid features, and lipodystrophy syndrome. Identifiers: Orphanet 363649, MedGen C3715192, MONDO:0014157, OMIM 615381.

Allele frequency attached by ClinVar (database versions not stated): gnomAD exomes 0.00001 and 0.00002; gnomAD 0.00002; TOPMed 0.00003; ESP Exome Variant Server 0.00008.
gnomAD v4.1: 17 of 1,565,088 alleles (0.0011%); highest among the groups gnomAD compares: Non-Finnish European, 0.0015%; no homozygotes.

Submissions (4):

Labcorp Genetics (formerly Invitae), Labcorp
Classification: Uncertain significance for POLD1-related polyposis and colorectal cancer syndrome. Last evaluated: 2026-01-26. Review status: criteria provided, single submitter. Criteria: Invitae Variant Classification Sherloc (09022015). Collection method: clinical testing. Allele origin: germline.
Comment: This sequence change replaces glycine, which is neutral and non-polar, with serine, which is neutral and polar, at codon 997 of the POLD1 protein (p.Gly997Ser). The frequency data for this variant in the population databases is considered unreliable, as metrics indicate poor data quality at this position in the gnomAD database. This variant has not been reported in the literature in individuals affected with POLD1-related conditions. ClinVar contains an entry for this variant (Variation ID: 408075). Invitae Evidence Modeling of protein sequence and biophysical properties (such as structural, functional, and spatial information, amino acid conservation, physicochemical variation, residue mobility, and thermodynamic stability) indicates that this missense variant is not expected to disrupt POLD1 protein function with a negative predictive value of 80%. In summary, the available evidence is currently insufficient to determine the role of this variant in disease. Therefore, it has been classified as a Variant of Uncertain Significance.

Ambry Genetics
Classification: Likely benign for Hereditary cancer-predisposing syndrome. Last evaluated: 2024-03-07. Review status: criteria provided, single submitter. Criteria: Ambry Variant Classification Scheme 2023. Collection method: clinical testing. Allele origin: germline.

Fulgent Genetics
Classification: Uncertain significance for POLD1-related polyposis and colorectal cancer syndrome; Mandibular hypoplasia-deafness-progeroid syndrome; Immunodeficiency 120. Last evaluated: 2024-02-28. Review status: criteria provided, single submitter. Criteria: ACMG Guidelines, 2015. Collection method: clinical testing. Allele origin: germline.

GeneDx
Classification: Uncertain significance. Last evaluated: 2023-11-09. Review status: criteria provided, single submitter. Criteria: GeneDx Variant Classification Process June 2021. Collection method: clinical testing. Allele origin: germline. Affected: yes.
Comment: Not observed at significant frequency in large population cohorts (gnomAD); In silico analysis supports that this missense variant does not alter protein structure/function; Has not been previously published as pathogenic or benign to our knowledge

NM_002691.4(POLD1):c.2989G>A (p.Gly997Ser)

Gene: POLD1 (DNA polymerase delta 1, catalytic subunit; plus strand). Cytogenetic location: 19q13.33.
Variant type: single nucleotide variant.
Coding change: c.2989G>A on transcript NM_002691.4 (MANE Select); coding-DNA position 2989, G replaced by A.
Protein change: p.Gly997Ser; replaces glycine 997 with serine.
Molecular consequence: missense variant. On other transcripts: non-coding transcript variant (1).
Genome position (GRCh38, 1-based): chr19:50,416,645, G>A. VCF-style: chr19-50416645-G-A. GRCh37 (hg19) VCF-style: chr19-50919902-G-A.
Other names: c.2989G>A, p.Gly997Ser (NM_001256849.1); c.3067G>A, p.Gly1023Ser (NM_001308632.1); short protein forms G997S, G1023S.
Identifiers: ClinVar variation 408075 (VCV000408075.17), dbSNP rs368319533, ClinGen allele CA16616185.